The following is an entry in ClinVar:

ClinVar aggregate classification (germline): Pathogenic (1 of 4 stars; one submission).

Conditions:
Autosomal recessive nonsyndromic hearing loss 77. Identifiers: Orphanet 90636, MedGen C2746083, MONDO:0013119, OMIM 613079.

Submission:

Myriad Genetics, Inc.
Classification: Pathogenic for Autosomal recessive nonsyndromic hearing loss 77. Last evaluated: 2024-05-14. Review status: criteria provided, single submitter. Criteria: Myriad Autosomal Dominant, Autosomal Recessive and X-Linked Classification Criteria (2023). Collection method: clinical testing. Allele origin: unknown.
Comment: NM_144612.6(LOXHD1):c.5398_5399ins10(R1800Qfs*13) is expected to be pathogenic in the context of nonsyndromic hearing loss, LOXHD1-related. This variant is predicted to lead to an abnormal or absent protein product due to the creation of a premature termination codon in LOXHD1, a gene where loss-of-function variants are known to be pathogenic. Please note: this variant was assessed in the context of healthy population screening.

NM_001384474.1(LOXHD1):c.5584_5585insAAATGCTTCT (p.Arg1862fs)

Gene: LOXHD1 (lipoxygenase homology PLAT domains 1; minus strand). Cytogenetic location: 18q21.1.
Variant type: Insertion.
Coding change: c.5584_5585insAAATGCTTCT on transcript NM_001384474.1 (MANE Select); coding-DNA positions 5584 to 5585, AAATGCTTCT inserted.
Protein change: p.Arg1862fs; shifts the reading frame from arginine 1862.
Molecular consequence: frameshift variant.
Genome position: GRCh38 VCF-style: chr18-46507645-C-CAGAAGCATTT. GRCh37 (hg19) VCF-style: chr18-44087608-C-CAGAAGCATTT.
Other names: c.2251_2252insAAATGCTTCT, p.Arg751fs (NM_001145472.3); c.301_302insAAATGCTTCT, p.Arg101fs (NM_001145473.3, NM_001173129.2); c.1963_1964insAAATGCTTCT, p.Arg655fs (NM_001308013.2); c.5398_5399insAAATGCTTCT, p.Arg1800fs (NM_144612.7); short protein forms R101fs, R1800fs, R1862fs, R655fs, R751fs.
Identifiers: ClinVar variation 5010635 (VCV005010635.1).